The following is an entry in ClinVar:

ClinVar aggregate classification (germline): Uncertain significance (1 of 4 stars; one submission).

Conditions:
Cardiovascular phenotype. Identifiers: MedGen CN230736.

Submission:

Ambry Genetics
Classification: Uncertain significance for Cardiovascular phenotype. Last evaluated: 2023-01-20. Review status: criteria provided, single submitter. Criteria: Ambry Variant Classification Scheme 2023. Collection method: clinical testing. Allele origin: germline.
Comment: The p.G870S variant (also known as c.2608G>A), located in coding exon 11 of the KCNH2 gene, results from a G to A substitution at nucleotide position 2608. The glycine at codon 870 is replaced by serine, an amino acid with similar properties. This amino acid position is highly conserved in available vertebrate species. In addition, this alteration is predicted to be deleterious by in silico analysis. Since supporting evidence is limited at this time, the clinical significance of this alteration remains unclear.

NM_000238.4(KCNH2):c.2608G>A (p.Gly870Ser)

Gene: KCNH2 (potassium voltage-gated channel subfamily H member 2; minus strand). Cytogenetic location: 7q36.1.
Variant type: single nucleotide variant.
Coding change: c.2608G>A on transcript NM_000238.4 (MANE Select); coding-DNA position 2608, G replaced by A.
Protein change: p.Gly870Ser; replaces glycine 870 with serine.
Molecular consequence: missense variant. On other transcripts: non-coding transcript variant (2).
Genome position (GRCh38, 1-based): chr7:150,948,528, C>T on the plus strand (G>A on the coding strand, the complement: KCNH2 is on the minus strand). VCF-style: chr7-150948528-C-T. GRCh37 (hg19) VCF-style: chr7-150645616-C-T.
Other names: c.2320G>A, p.Gly774Ser (NM_001406753.1); c.1588G>A, p.Gly530Ser (NM_172057.3); short protein forms G774S, G530S, G870S.
Identifiers: ClinVar variation 2452994 (VCV002452994.2), dbSNP rs2486012953, ClinGen allele CA369853905.